The following is an entry in ClinVar:

NM_201384.3(PLEC):c.6186G>A (p.Glu2062=)

Gene: PLEC (plectin; minus strand). Cytogenetic location: 8q24.3.
Variant type: single nucleotide variant.
Coding change: c.6186G>A on transcript NM_201384.3 (MANE Select); coding-DNA position 6186, G replaced by A.
Protein change: p.Glu2062=; no amino-acid change (glutamic acid 2062 retained).
Molecular consequence: synonymous variant.
Genome position (GRCh38, 1-based): chr8:143,923,743, C>T on the plus strand (G>A on the coding strand, the complement: PLEC is on the minus strand). VCF-style: chr8-143923743-C-T. GRCh37 (hg19) VCF-style: chr8-144997911-C-T.
Other names: p.Glu2089=; c.6267G>A, p.Glu2089= (NM_000445.5); c.6144G>A, p.Glu2048= (NM_201378.4); c.6120G>A, p.Glu2040= (NM_201379.3); c.6597G>A, p.Glu2199= (NM_201380.4); c.6090G>A, p.Glu2030= (NM_201381.3); c.6186G>A, p.Glu2062= (NM_201382.4); c.6198G>A, p.Glu2066= (NM_201383.3).
Identifiers: ClinVar variation 1551024 (VCV001551024.9), dbSNP rs1413914837, ClinGen allele CA463534046.
Genomic context (GRCh38, chr8:143,923,743, plus strand): 5'-CTCGCCGCGCAGCTGGTCCAGCACGCTCTGCTCCTGCTGCAGCGTCTGCTGTAGCTCCTG[C>T]TCCTTCTGCTGCACCGCGAAGGCGTGTGCCTTCTCTTCCGCCTGCAGCCGCTTCTGGGCG-3'
Protein context (NP_958786.1, residues 2052-2072): KAHAFAVQQK[Glu2062=]QELQQTLQQE

ClinVar aggregate classification (germline): Likely benign. Review status: criteria provided, multiple submitters, no conflicts (2 of 4 stars). 2 submissions from 2 submitters: Likely benign (2). Last evaluated 2025-10-09.

Conditions:
Epidermolysis bullosa simplex 5B, with muscular dystrophy (EBS5B). Also called: Epidermolysis bullosa simplex with muscular dystrophy; EPIDERMOLYSIS BULLOSA SIMPLEX AND LIMB-GIRDLE MUSCULAR DYSTROPHY. Identifiers: Orphanet 257, MedGen C2931072, MONDO:0009181, OMIM 226670.
Epidermolysis bullosa simplex, Ogna type (EBS5A). Also called: Pidermolysis bullosa simplex 5A, Ogna type; EPIDERMOLYSIS BULLOSA SIMPLEX 5A, OGNA TYPE. Identifiers: Orphanet 79401, MedGen C0432317, MONDO:0007555, OMIM 131950.
Epidermolysis bullosa simplex 5C, with pyloric atresia (EBS5C). Also called: PLEC-Related Epidermolysis Bullosa with Pyloric Atresia; Epidermolysis bullosa simplex with pyloric atresia; PLEC1-Related Epidermolysis Bullosa with Pyloric Atresia. Identifiers: Orphanet 158684, MedGen C2677349, MONDO:0012807, OMIM 612138.
Autosomal recessive limb-girdle muscular dystrophy type 2Q (LGMDR17). Also called: MUSCULAR DYSTROPHY, LIMB-GIRDLE, AUTOSOMAL RECESSIVE 17. Identifiers: Orphanet 254361, MedGen C3150989, MONDO:0013390, OMIM 613723.
Epidermolysis bullosa simplex with nail dystrophy (EBS5D). Identifiers: MedGen C4225309, MONDO:0014661, OMIM 616487.

Allele frequency attached by ClinVar (database versions not stated): gnomAD 0.00001; gnomAD exomes 0.00001; TOPMed 0.00002.
gnomAD v4.1: 4 of 1,549,122 alleles (0.00026%); highest among the groups gnomAD compares: Admixed American, 0.0038%; no homozygotes.

Submissions (2):

Mayo Clinic Laboratories, Mayo Clinic
Classification: Likely benign. Last evaluated: 2025-10-09. Review status: criteria provided, single submitter. Criteria: ACMG Guidelines, 2015. Collection method: clinical testing. Allele origin: germline. Observed: 1 variant allele.
Comment: BP4, BP7

Labcorp Genetics (formerly Invitae), Labcorp
Classification: Likely benign for Autosomal recessive limb-girdle muscular dystrophy type 2Q; Epidermolysis bullosa simplex, Ogna type; Epidermolysis bullosa simplex with nail dystrophy; Epidermolysis bullosa simplex 5C, with pyloric atresia; Epidermolysis bullosa simplex 5B, with muscular dystrophy. Last evaluated: 2022-08-01. Review status: criteria provided, single submitter. Criteria: Invitae Variant Classification Sherloc (09022015). Collection method: clinical testing. Allele origin: germline.